The following is an entry in ClinVar:

ClinVar aggregate classification (germline): Uncertain significance. Review status: criteria provided, multiple submitters, no conflicts (2 of 4 stars). 3 submissions from 3 submitters: Uncertain significance (3). Last evaluated 2024-11-21.

Conditions:
Hereditary spastic paraplegia 45. Also called: Spastic paraplegia 45, autosomal recessive; SPASTIC PARAPLEGIA 45. Identifiers: Orphanet 320396, MedGen C3888209, MONDO:0013165, OMIM 613162.
Hereditary spastic paraplegia. Also called: Familial spastic paraparesis. Identifiers: Orphanet 685, MedGen C0037773, MONDO:0019064. Disease mechanism: loss of function.

Submissions (3):

Blueprint Genetics
Classification: Uncertain significance. Last evaluated: 2024-11-21. Review status: criteria provided, single submitter. Criteria: ACMG Guidelines, 2015. Collection method: clinical testing. Allele origin: germline.

Labcorp Genetics (formerly Invitae), Labcorp
Classification: Uncertain significance for Hereditary spastic paraplegia 45. Last evaluated: 2022-09-27. Review status: criteria provided, single submitter. Criteria: Invitae Variant Classification Sherloc (09022015). Collection method: clinical testing. Allele origin: germline.
Comment: This sequence change creates a premature translational stop signal (p.Glu560*) in the NT5C2 gene. While this is not anticipated to result in nonsense mediated decay, it is expected to disrupt the last 2 amino acid(s) of the NT5C2 protein. This variant is present in population databases (rs763843500, gnomAD 0.03%). This variant has not been reported in the literature in individuals affected with NT5C2-related conditions. ClinVar contains an entry for this variant (Variation ID: 474945). Experimental studies and prediction algorithms are not available or were not evaluated, and the functional significance of this variant is currently unknown. In summary, the available evidence is currently insufficient to determine the role of this variant in disease. Therefore, it has been classified as a Variant of Uncertain Significance.

Genome Diagnostics Laboratory, The Hospital for Sick Children
Classification: Uncertain significance for Hereditary spastic paraplegia. Last evaluated: 2018-06-14. Review status: criteria provided, single submitter. Criteria: ACMG Guidelines, 2015. Collection method: clinical testing. Allele origin: germline. Affected: yes.

NM_001351169.2(NT5C2):c.1665GGA[3] (p.Glu560_Glu561del)

Genes: CNNM2 (cyclin and CBS domain divalent metal cation transport mediator 2; plus strand), NT5C2 (5'-nucleotidase, cytosolic II; minus strand). Cytogenetic location: 10q24.32.
Variant type: Microsatellite.
Coding change: c.1665GGA[3] on transcript NM_001351169.2 (MANE Select); three copies in a row of the 3-base unit GGA starting at c.1665; the reference has five copies in a row; two copies, 6 bases deleted.
Protein change: p.Glu560_Glu561del.
Molecular consequence: inframe deletion. On other transcripts: 3 prime UTR variant (2), inframe indel (1).
Genome position (GRCh38, 1-based): chr10:103,089,679-103,089,684, TCCTCC deleted on the plus strand (GGAGGA on the coding strand, the reverse complement: NT5C2 is on the minus strand); deleting any 6 consecutive bases within chr10:103,089,679-103,089,695 gives the same sequence; the position shown is the placement nearest the transcript's 3' end. VCF-style (leftmost placement, unchanged base first): chr10-103089678-TTCCTCC-T. GRCh37 (hg19) VCF-style: chr10-104849435-TTCCTCC-T.
Other names: c.1665GGA[3], p.Glu560_Glu561del (NM_001134373.3, NM_012229.5); c.1689GGA[3], p.Glu568_Glu569del (NM_001351170.2, NM_001351171.2, NM_001351172.2 and 1 more transcripts); c.1578GGA[3], p.Glu531_Glu532del (NM_001351174.1); c.1572GGA[3], p.Glu529_Glu530del (NM_001351175.2); c.1092GGA[3], p.Glu369_Glu370del (NM_001351176.2, NM_001351177.2, NM_001351178.2 and 16 more transcripts); c.951GGA[3], p.Glu322_Glu323del (NM_001351194.2, NM_001351195.2, NM_001351196.2); c.*12501CTC[3] (NM_017649.5, NM_199076.3); c.1674_1679delGGAGGA (NM_012229.4).
Identifiers: ClinVar variation 474945 (VCV000474945.12), dbSNP rs537259520, ClinGen allele CA5670697.